The following is an entry in ClinVar:

ClinVar aggregate classification (germline): Uncertain significance (1 of 4 stars; one submission).

Conditions:
Nemaline myopathy 2 (NEM2). Also called: Nemaline myopathy 2, autosomal recessive. Identifiers: MedGen C1850569, MONDO:0009725, OMIM 256030.

Submission:

Labcorp Genetics (formerly Invitae), Labcorp
Classification: Uncertain significance for Nemaline myopathy 2. Last evaluated: 2022-03-09. Review status: criteria provided, single submitter. Criteria: Invitae Variant Classification Sherloc (09022015). Collection method: clinical testing. Allele origin: germline.
Comment: Algorithms developed to predict the effect of missense changes on protein structure and function are either unavailable or do not agree on the potential impact of this missense change (SIFT: "Deleterious"; PolyPhen-2: "Not Available"; Align-GVGD: "Class C0"). ClinVar contains an entry for this variant (Variation ID: 465636). This variant has not been reported in the literature in individuals affected with NEB-related conditions. This variant is not present in population databases (gnomAD no frequency). This sequence change replaces tyrosine, which is neutral and polar, with cysteine, which is neutral and slightly polar, at codon 2549 of the NEB protein (p.Tyr2549Cys). In summary, the available evidence is currently insufficient to determine the role of this variant in disease. Therefore, it has been classified as a Variant of Uncertain Significance.

NM_001164508.2(NEB):c.7646A>G (p.Tyr2549Cys)

Gene: NEB (nebulin; minus strand). Cytogenetic location: 2q23.3.
Variant type: single nucleotide variant.
Coding change: c.7646A>G on transcript NM_001164508.2 (MANE Select); coding-DNA position 7646, A replaced by G.
Protein change: p.Tyr2549Cys; replaces tyrosine 2549 with cysteine.
Molecular consequence: missense variant.
Genome position (GRCh38, 1-based): chr2:151,644,128, T>C on the plus strand (A>G on the coding strand, the complement: NEB is on the minus strand). VCF-style: chr2-151644128-T-C. GRCh37 (hg19) VCF-style: chr2-152500642-T-C.
Other names: c.7646A>G, p.Tyr2549Cys (NM_001164507.2, NM_001271208.2, NM_004543.5); short protein forms Y2549C.
Identifiers: ClinVar variation 465636 (VCV000465636.8), dbSNP rs1553984101, ClinGen allele CA348782855.